The following is an entry in ClinVar:

NM_001321783.2(TASOR2):c.7120T>C (p.Leu2374=)

Gene: TASOR2 (transcription activation suppressor family member 2; plus strand). Cytogenetic location: 10p15.1.
Variant type: single nucleotide variant.
Coding change: c.7120T>C on transcript NM_001321783.2 (MANE Select); coding-DNA position 7120, T replaced by C.
Protein change: p.Leu2374=; no amino-acid change (leucine 2374 retained).
Molecular consequence: synonymous variant.
Genome position (GRCh38, 1-based): chr10:5,761,417, T>C. VCF-style: chr10-5761417-T-C. GRCh37 (hg19) VCF-style: chr10-5803380-T-C.
Other names: c.7120T>C, p.Leu2374= (NM_001321784.2, NM_017782.5); c.6877T>C, p.Leu2293= (NM_001321785.2); c.7765T>C, p.Leu2589= (NM_001387328.1).
Identifiers: ClinVar variation 2640290 (VCV002640290.24), dbSNP rs191790060, ClinGen allele CA5394895.

ClinVar aggregate classification (germline): Likely benign (1 of 4 stars; one submission).

Allele frequency attached by ClinVar (database versions not stated): TOPMed 0.00001; ExAC 0.00002; gnomAD 0.00002; gnomAD exomes 0.00002; 1000 Genomes Project 30x 0.00016; 1000 Genomes Project 0.00020.
gnomAD v4.1: 38 of 1,613,820 alleles (0.0024%); highest among the groups gnomAD compares: Non-Finnish European, 0.0029%; no homozygotes.

Submission:

CeGaT Center for Human Genetics Tuebingen
Classification: Likely benign. Last evaluated: 2023-01-01. Review status: criteria provided, single submitter. Criteria: CeGaT Center For Human Genetics Tuebingen Variant Classification Criteria Version 2. Collection method: clinical testing. Allele origin: germline. Affected: yes. Observed: 1 variant allele.
Comment: TASOR2: BP4, BP7